The following is an entry in ClinVar:

NM_001378778.1(MPDZ):c.5222T>C (p.Val1741Ala)

Gene: MPDZ (multiple PDZ domain crumbs cell polarity complex component; minus strand). Cytogenetic location: 9p23.
Variant type: single nucleotide variant.
Coding change: c.5222T>C on transcript NM_001378778.1 (MANE Select); coding-DNA position 5222, T replaced by C.
Protein change: p.Val1741Ala; replaces valine 1741 with alanine.
Molecular consequence: missense variant.
Genome position (GRCh38, 1-based): chr9:13,121,748, A>G on the plus strand (T>C on the coding strand, the complement: MPDZ is on the minus strand). VCF-style: chr9-13121748-A-G. GRCh37 (hg19) VCF-style: chr9-13121747-A-G.
Other names: c.5123T>C, p.Val1708Ala (NM_001261406.2, NM_001261407.2, NM_001375416.1 and 3 more transcripts); c.5222T>C, p.Val1741Ala (NM_001330637.2, NM_003829.5); c.5321T>C, p.Val1774Ala (NM_001375413.1); c.5012T>C, p.Val1671Ala (NM_001375420.1, NM_001375421.1, NM_001375422.1 and 4 more transcripts); c.4814T>C, p.Val1605Ala (NM_001375427.1); short protein forms V1605A, V1671A, V1708A, V1741A, V1774A.
Identifiers: ClinVar variation 1010754 (VCV001010754.8), dbSNP rs1944382770, ClinGen allele CA372944117.

ClinVar aggregate classification (germline): Uncertain significance (1 of 4 stars; one submission).

Allele frequency attached by ClinVar (database versions not stated): gnomAD exomes below 0.00001.
gnomAD v4.1: 1 of 1,613,898 alleles (0.000062%); highest among the groups gnomAD compares: Non-Finnish European, 0.000085%; no homozygotes.

Submission:

Labcorp Genetics (formerly Invitae), Labcorp
Classification: Uncertain significance. Last evaluated: 2022-10-13. Review status: criteria provided, single submitter. Criteria: Invitae Variant Classification Sherloc (09022015). Collection method: clinical testing. Allele origin: germline.
Comment: In summary, the available evidence is currently insufficient to determine the role of this variant in disease. Therefore, it has been classified as a Variant of Uncertain Significance. Algorithms developed to predict the effect of sequence changes on RNA splicing suggest that this variant may disrupt the consensus splice site. Algorithms developed to predict the effect of missense changes on protein structure and function (SIFT, PolyPhen-2, Align-GVGD) all suggest that this variant is likely to be disruptive. ClinVar contains an entry for this variant (Variation ID: 1010754). This variant has not been reported in the literature in individuals affected with MPDZ-related conditions. This variant is not present in population databases (gnomAD no frequency). This sequence change replaces valine, which is neutral and non-polar, with alanine, which is neutral and non-polar, at codon 1741 of the MPDZ protein (p.Val1741Ala).